The following is an entry in ClinVar:

NM_001170629.2(CHD8):c.5744del (p.Pro1915fs)

Gene: CHD8 (chromodomain helicase DNA binding protein 8; minus strand). Cytogenetic location: 14q11.2.
Variant type: Deletion.
Coding change: c.5744del on transcript NM_001170629.2 (MANE Select); coding-DNA position 5744, one base deleted (C; older notation c.5744delC).
Protein change: p.Pro1915fs; shifts the reading frame from proline 1915.
Molecular consequence: frameshift variant.
Genome position (GRCh38, 1-based): chr14:21,394,051, G deleted on the plus strand (C on the coding strand, the reverse complement: CHD8 is on the minus strand); the first of 2 consecutive G bases (chr14:21,394,051-21,394,052); deleting either gives the same sequence. VCF-style (leftmost placement, unchanged base first): chr14-21394050-AG-A. GRCh37 (hg19) VCF-style: chr14-21862209-AG-A.
Other names: c.4907del, p.Pro1636fs (NM_020920.4); short protein forms P1636fs, P1915fs.
Identifiers: ClinVar variation 1699404 (VCV001699404.3), dbSNP rs2139447795, ClinGen allele CA2573102948.

ClinVar aggregate classification (germline): Pathogenic (1 of 4 stars; one submission).

Conditions:
Intellectual developmental disorder with autism and macrocephaly. Also called: Autism, susceptibility to, 18; CHD8-Related Neurodevelopmental Disorder with Overgrowth. Identifiers: Orphanet 642675, MedGen C3554373, MONDO:0014017, OMIM 615032.

Submission:

Victorian Clinical Genetics Services, Murdoch Childrens Research Institute
Classification: Pathogenic for Intellectual developmental disorder with autism and macrocephaly. Last evaluated: 2022-03-31. Review status: criteria provided, single submitter. Criteria: ACMG Guidelines, 2015. Collection method: clinical testing. Allele origin: germline. Inheritance: Autosomal dominant inheritance. Affected: yes.
Comment: Based on the classification scheme VCGS_Germline_v1.3.4, this variant is classified as Pathogenic. Following criteria are met: 0102 - Loss of function is a known mechanism of disease in this gene and is associated with CHD8-related neurodevelopmental disorder (MIM#615032). (I) 0107 - This gene is associated with autosomal dominant disease. (I) 0201 - Variant is predicted to cause nonsense-mediated decay (NMD) and loss of protein (premature termination codon is located at least 54 nucleotides upstream of the final exon-exon junction). (SP) 0251 - This variant is heterozygous. (I) 0301 - Variant is absent from gnomAD (both v2 and v3). (SP) 0701 - Other NMD predicted variants comparable to the one identified in this case have very strong previous evidence for pathogenicity (DECIPHER). (SP) 0807 - This variant has no previous evidence of pathogenicity. (I) 0905 - No published segregation evidence has been identified for this variant. (I) 1007 - No published functional evidence has been identified for this variant. (SP) Legend: (SP) - Supporting pathogenic, (I) - Information, (SB) - Supporting benign